The following is an entry in ClinVar:

NM_001276270.2(MBD4):c.1543+2T>G

Gene: MBD4 (methyl-CpG binding domain 4, DNA glycosylase; minus strand). Cytogenetic location: 3q21.3.
Variant type: single nucleotide variant.
Coding change: c.1543+2T>G on transcript NM_001276270.2 (MANE Select); the canonical splice donor site of the intron after coding-DNA position 1543, T replaced by G.
Molecular consequence: splice donor variant.
Genome position (GRCh38, 1-based): chr3:129,433,096, A>C on the plus strand (T>G on the coding strand, the complement: MBD4 is on the minus strand). VCF-style: chr3-129433096-A-C. GRCh37 (hg19) VCF-style: chr3-129151939-A-C.
Other names: c.607+2T>G (NM_001276273.2); c.1561+2T>G (NM_001276272.2, NM_003925.3, NM_001276271.2).
Identifiers: ClinVar variation 3650748 (VCV003650748.2).

ClinVar aggregate classification (germline): Likely pathogenic (1 of 4 stars; one submission).

Submission:

Labcorp Genetics (formerly Invitae), Labcorp
Classification: Likely pathogenic. Last evaluated: 2024-04-24. Review status: criteria provided, single submitter. Criteria: Invitae Variant Classification Sherloc (09022015). Collection method: clinical testing. Allele origin: germline.
Comment: This sequence change affects a donor splice site in intron 6 of the MBD4 gene. It is expected to disrupt RNA splicing. Variants that disrupt the donor or acceptor splice site typically lead to a loss of protein function (PMID: 16199547), and loss-of-function variants in MBD4 are known to be pathogenic (PMID: 30049810, 35460607). This variant is not present in population databases (gnomAD no frequency). This variant has not been reported in the literature in individuals affected with MBD4-related conditions. Algorithms developed to predict the effect of sequence changes on RNA splicing suggest that this variant may disrupt the consensus splice site. In summary, the currently available evidence indicates that the variant is pathogenic, but additional data are needed to prove that conclusively. Therefore, this variant has been classified as Likely Pathogenic.

Literature cited by the submitters: PubMed 16199547; PubMed 30049810; PubMed 35460607.